The following is an entry in ClinVar:

NM_006947.4(SRP72):c.1807C>G (p.Gln603Glu)

Gene: SRP72 (signal recognition particle 72; plus strand). Cytogenetic location: 4q12.
Variant type: single nucleotide variant.
Coding change: c.1807C>G on transcript NM_006947.4 (MANE Select); coding-DNA position 1807, C replaced by G.
Protein change: p.Gln603Glu; replaces glutamine 603 with glutamic acid.
Molecular consequence: missense variant. On other transcripts: non-coding transcript variant (1).
Genome position (GRCh38, 1-based): chr4:56,500,664, C>G. VCF-style: chr4-56500664-C-G. GRCh37 (hg19) VCF-style: chr4-57366830-C-G.
Other names: c.1624C>G, p.Gln542Glu (NM_001267722.2); short protein forms Q542E, Q603E.
Identifiers: ClinVar variation 3369974 (VCV003369974.3).

ClinVar aggregate classification (germline): Uncertain significance. Review status: criteria provided, multiple submitters, no conflicts (2 of 4 stars). 2 submissions from 2 submitters: Uncertain significance (2). Last evaluated 2024-09-13.

Submissions (2):

Labcorp Genetics (formerly Invitae), Labcorp
Classification: Uncertain significance. Last evaluated: 2024-09-13. Review status: criteria provided, single submitter. Criteria: Invitae Variant Classification Sherloc (09022015). Collection method: clinical testing. Allele origin: germline.
Comment: This sequence change replaces glutamine, which is neutral and polar, with glutamic acid, which is acidic and polar, at codon 603 of the SRP72 protein (p.Gln603Glu). This variant is not present in population databases (gnomAD no frequency). This variant has not been reported in the literature in individuals affected with SRP72-related conditions. Invitae Evidence Modeling of protein sequence and biophysical properties (such as structural, functional, and spatial information, amino acid conservation, physicochemical variation, residue mobility, and thermodynamic stability) indicates that this missense variant is expected to disrupt SRP72 protein function with a positive predictive value of 80%. In summary, the available evidence is currently insufficient to determine the role of this variant in disease. Therefore, it has been classified as a Variant of Uncertain Significance.

GeneDx
Classification: Uncertain significance. Last evaluated: 2024-01-02. Review status: criteria provided, single submitter. Criteria: GeneDx Variant Classification Process June 2021. Collection method: clinical testing. Allele origin: germline. Affected: yes.
Comment: Not observed at significant frequency in large population cohorts (gnomAD); In silico analysis supports that this missense variant does not alter protein structure/function; Has not been previously published as pathogenic or benign to our knowledge; This variant is associated with the following publications: (PMID: 21073748)